The following is an entry in ClinVar:

ClinVar aggregate classification (germline): Uncertain significance (1 of 4 stars; one submission).

Conditions:
Autosomal recessive limb-girdle muscular dystrophy type 2E (LGMDR4). Also called: MUSCULAR DYSTROPHY, LIMB-GIRDLE, AUTOSOMAL RECESSIVE 4. Identifiers: Orphanet 119, MedGen C1858593, MONDO:0011423, OMIM 604286. Disease mechanism: Affects gamma-sarcoglycan and also disrupts the integrity of the entire sarcoglycan complex..

Allele frequency attached by ClinVar (database versions not stated): TOPMed below 0.00001.
gnomAD v4.1: 1 of 1,613,926 alleles (0.000062%); highest among the groups gnomAD compares: Non-Finnish European, 0.000085%; no homozygotes.

Submission:

Labcorp Genetics (formerly Invitae), Labcorp
Classification: Uncertain significance for Autosomal recessive limb-girdle muscular dystrophy type 2E. Last evaluated: 2024-02-05. Review status: criteria provided, single submitter. Criteria: Invitae Variant Classification Sherloc (09022015). Collection method: clinical testing. Allele origin: germline.
Comment: This sequence change replaces histidine, which is basic and polar, with arginine, which is basic and polar, at codon 190 of the SGCB protein (p.His190Arg). This variant is present in population databases (no rsID available, gnomAD 0.0009%). This variant has not been reported in the literature in individuals affected with SGCB-related conditions. ClinVar contains an entry for this variant (Variation ID: 2138854). Advanced modeling of protein sequence and biophysical properties (such as structural, functional, and spatial information, amino acid conservation, physicochemical variation, residue mobility, and thermodynamic stability) performed at Invitae indicates that this missense variant is not expected to disrupt SGCB protein function with a negative predictive value of 80%. In summary, the available evidence is currently insufficient to determine the role of this variant in disease. Therefore, it has been classified as a Variant of Uncertain Significance.

NM_000232.5(SGCB):c.569A>G (p.His190Arg)

Gene: SGCB (sarcoglycan beta; minus strand). Cytogenetic location: 4q12.
Variant type: single nucleotide variant.
Coding change: c.569A>G on transcript NM_000232.5 (MANE Select); coding-DNA position 569, A replaced by G.
Protein change: p.His190Arg; replaces histidine 190 with arginine.
Molecular consequence: missense variant.
Genome position (GRCh38, 1-based): chr4:52,028,782, T>C on the plus strand (A>G on the coding strand, the complement: SGCB is on the minus strand). VCF-style: chr4-52028782-T-C. GRCh37 (hg19) VCF-style: chr4-52894948-T-C.
Other names: short protein forms H190R.
Identifiers: ClinVar variation 2138854 (VCV002138854.4), dbSNP rs1220086248, ClinGen allele CA356876678.